The following is an entry in ClinVar:

NM_000553.6(WRN):c.2548C>G (p.Gln850Glu)

Gene: WRN (WRN RecQ like helicase; plus strand). Cytogenetic location: 8p12.
Variant type: single nucleotide variant.
Coding change: c.2548C>G on transcript NM_000553.6 (MANE Select); coding-DNA position 2548, C replaced by G.
Protein change: p.Gln850Glu; replaces glutamine 850 with glutamic acid.
Molecular consequence: missense variant.
Genome position (GRCh38, 1-based): chr8:31,120,342, C>G. VCF-style: chr8-31120342-C-G. GRCh37 (hg19) VCF-style: chr8-30977858-C-G.
Other names: short protein forms Q850E.
Identifiers: ClinVar variation 2981451 (VCV002981451.3), dbSNP rs2130322576, ClinGen allele CA370915522.

ClinVar aggregate classification (germline): Uncertain significance (1 of 4 stars; one submission).

Conditions:
Werner syndrome (WRN). Identifiers: Orphanet 902, MedGen C0043119, MONDO:0010196, OMIM 277700.

Allele frequency attached by ClinVar (database versions not stated): gnomAD exomes below 0.00001.
gnomAD v4.1: 1 of 1,612,924 alleles (0.000062%); highest among the groups gnomAD compares: Non-Finnish European, 0.000085%; no homozygotes.

Submission:

Labcorp Genetics (formerly Invitae), Labcorp
Classification: Uncertain significance for Werner syndrome. Last evaluated: 2023-04-13. Review status: criteria provided, single submitter. Criteria: Invitae Variant Classification Sherloc (09022015). Collection method: clinical testing. Allele origin: germline.
Comment: This variant has not been reported in the literature in individuals affected with WRN-related conditions. In summary, the available evidence is currently insufficient to determine the role of this variant in disease. Therefore, it has been classified as a Variant of Uncertain Significance. An algorithm developed to predict the effect of missense changes on protein structure and function (PolyPhen-2) suggests that this variant is likely to be disruptive. This variant is not present in population databases (gnomAD no frequency). This sequence change replaces glutamine, which is neutral and polar, with glutamic acid, which is acidic and polar, at codon 850 of the WRN protein (p.Gln850Glu).